The following is an entry in ClinVar:

ClinVar aggregate classification (germline): Uncertain significance. Review status: criteria provided, multiple submitters, no conflicts (2 of 4 stars). 6 submissions from 6 submitters: Uncertain significance (5). 1 of the submissions does not count toward it. Last evaluated 2025-10-10.

Conditions:
Hereditary cancer-predisposing syndrome. Also called: Hereditary neoplastic syndrome; Neoplastic Syndromes, Hereditary; Hereditary Cancer Syndrome; Tumor predisposition. Identifiers: Orphanet 140162, MedGen C0027672, MeSH D009386, MONDO:0015356.

Allele frequency attached by ClinVar (database versions not stated): gnomAD 0.00004 and 0.00005; gnomAD exomes 0.00004 and 0.00005; ExAC 0.00005; TOPMed 0.00005; ESP Exome Variant Server 0.00008.
gnomAD v4.1: 86 of 1,614,062 alleles (0.0053%); highest among the groups gnomAD compares: African/African-American, 0.0093%; no homozygotes.

Submissions (6):

Quest Diagnostics Nichols Institute San Juan Capistrano
Classification: Uncertain significance. Last evaluated: 2025-10-10. Review status: criteria provided, single submitter. Criteria: Quest Diagnostics criteria. Collection method: clinical testing. Allele origin: unknown.
Comment: The XRCC2 c.476G>A (p.Arg159His) variant has been reported in the published literature in individuals with personal or family history of breast cancer (PMIDs: 28779002 (2017), 33471991 (2021), 35534704 (2022), 36672847 (2022), see also LOVD), as well as in reportedly unaffected individuals (PMIDs: 28779002 (2017), 29641532 (2018), 33471991 (2021), see also LOVD). The frequency of this variant in the general population (Genome Aggregation Database) is uninformative in the assessment of its pathogenicity. Analysis of this variant using bioinformatics tools for the prediction of the effect of amino acid changes on protein structure and function yielded predictions that this variant is damaging. Based on the available information, we are unable to determine the clinical significance of this variant.

Labcorp Genetics (formerly Invitae), Labcorp
Classification: Uncertain significance. Last evaluated: 2025-08-07. Review status: criteria provided, single submitter. Criteria: Invitae Variant Classification Sherloc (09022015). Collection method: clinical testing. Allele origin: germline.
Comment: This sequence change replaces arginine, which is basic and polar, with histidine, which is basic and polar, at codon 159 of the XRCC2 protein (p.Arg159His). This variant is present in population databases (rs367696886, gnomAD 0.02%). This missense change has been observed in individual(s) with breast cancer (PMID: 35534704, 36672847). ClinVar contains an entry for this variant (Variation ID: 127957). Invitae Evidence Modeling of protein sequence and biophysical properties (such as structural, functional, and spatial information, amino acid conservation, physicochemical variation, residue mobility, and thermodynamic stability) indicates that this missense variant is expected to disrupt XRCC2 protein function with a positive predictive value of 80%. In summary, the available evidence is currently insufficient to determine the role of this variant in disease. Therefore, it has been classified as a Variant of Uncertain Significance.

Ambry Genetics
Classification: Uncertain significance for Hereditary cancer-predisposing syndrome. Last evaluated: 2023-03-24. Review status: criteria provided, single submitter. Criteria: Ambry Variant Classification Scheme 2023. Collection method: clinical testing. Allele origin: germline.
Comment: The p.R159H variant (also known as c.476G>A), located in coding exon 3 of the XRCC2 gene, results from a G to A substitution at nucleotide position 476. The arginine at codon 159 is replaced by histidine, an amino acid with highly similar properties. This alteration has been reported in 2/13087 breast cancer cases and 1/5488 control individuals in the UK (Decker B et al. J Med Genet, 2017 11;54:732-741). This variant was also identified in 1/1358 non-cancer control individuals and in 0/57 cutaneous melanoma cases with at least two additional non-melanoma primary cancers (Pritchard AL et al. PLoS One, 2018 Apr;13:e0194098). This amino acid position is highly conserved in available vertebrate species. In addition, the in silico prediction for this alteration is inconclusive. Since supporting evidence is limited at this time, the clinical significance of this alteration remains unclear.

Sema4
Classification: Uncertain significance for Hereditary cancer-predisposing syndrome. Last evaluated: 2022-03-05. Review status: criteria provided, single submitter. Criteria: Sema4 Curation Guidelines. Collection method: curation. Allele origin: germline.
Comment: The XRCC2 c.476G>A (p.R159H) variant has been reported in a large case-control studies of breast cancer in 4/60466 cases and 6/53461 controls (PMID: 33471991) and in 2/13087 cases and 1/5488 controls (PMID: 28779002). It was observed in 3/16250 chromosomes of the African/African American subpopulation, in the large and broad cohorts of the Genome Aggregation Database (PMID: 32461654). This variant has been reported in ClinVar (Variation ID 127957). Functional studies have not been performed, and in silico predictions of the variant's effect on protein function are inconclusive. The evidence is insufficient to meet ACMG/AMP criteria for classifying the variant as benign or pathogenic. Thus, the clinical significance of this variant is currently uncertain.

GeneDx
Classification: Uncertain significance. Last evaluated: 2017-04-10. Review status: criteria provided, single submitter. Criteria: GeneDx Variant Classification (06012015). Collection method: clinical testing. Allele origin: germline. Affected: yes.
Comment: This variant is denoted XRCC2 c.476G>A at the cDNA level, p.Arg159His (R159H) at the protein level, and results in the change of an Arginine to a Histidine (CGC>CAC). This variant has not, to our knowledge, been published in the literature as pathogenic or benign. XRCC2 Arg159His was not observed at a significant allele frequency in the NHLBI Exome Sequencing Project. Since Arginine and Histidine share similar properties, this is considered a conservative amino acid substitution. XRCC2 Arg159His occurs at a position that is conserved across species and is located within an ATPase domain (Kim 2011). In silico analyses predict that this variant is probably damaging to protein structure and function. Based on currently available information, it is unclear whether XRCC2 Arg159His is pathogenic or benign. We consider it to be a variant of uncertain significance.

Genetic Services Laboratory, University of Chicago
Classification: Uncertain significance. Last evaluated: 2022-09-01. Review status: no assertion criteria provided. Collection method: clinical testing. Allele origin: germline. Affected: no. Not counted in ClinVar's aggregate classification.
Comment: DNA sequence analysis of the XRCC2 gene demonstrated a sequence change, c.476G>A, in exon 3 that results in an amino acid change, p.Arg159His. This sequence change does not appear to have been previously described in individuals with XRCC2-related disorders. This sequence change has been described in the gnomAD database with a frequency of 0.004% (dbSNP rs367696886). The p.Arg159His change affects a highly conserved amino acid residue located in a domain of the XRCC2 protein that is known to be functional. The p.Arg159His substitution appears to be deleterious using several in-silico pathogenicity prediction tools (SIFT, PolyPhen2, Align GVGD). Due to insufficient evidences and the lack of functional studies, the clinical significance of the p.Arg159His change remains unknown at this time.

Literature cited by the submitters: PubMed 36672847 (cited by Quest Diagnostics Nichols Institute San Juan Capistrano and Labcorp Genetics (formerly Invitae), Labcorp); PubMed 35534704 (cited by Quest Diagnostics Nichols Institute San Juan Capistrano and Labcorp Genetics (formerly Invitae), Labcorp); PubMed 33471991 (cited by Quest Diagnostics Nichols Institute San Juan Capistrano and Sema4); PubMed 29641532 (cited by Quest Diagnostics Nichols Institute San Juan Capistrano and Ambry Genetics); PubMed 28779002 (cited by 3 submitters).

NM_005431.2(XRCC2):c.476G>A (p.Arg159His)

Gene: XRCC2 (X-ray repair cross complementing 2; minus strand). Cytogenetic location: 7q36.1.
Variant type: single nucleotide variant.
Coding change: c.476G>A on transcript NM_005431.2 (MANE Select); coding-DNA position 476, G replaced by A.
Protein change: p.Arg159His; replaces arginine 159 with histidine.
Molecular consequence: missense variant.
Genome position (GRCh38, 1-based): chr7:152,649,009, C>T on the plus strand (G>A on the coding strand, the complement: XRCC2 is on the minus strand). VCF-style: chr7-152649009-C-T. GRCh37 (hg19) VCF-style: chr7-152346094-C-T.
Other names: p.R159H:CGC>CAC; short protein forms R159H.
Identifiers: ClinVar variation 127957 (VCV000127957.18), dbSNP rs367696886, ClinGen allele CA288136.